The following is an entry in ClinVar:

NM_001206744.2(TPO):c.348G>A (p.Thr116=)

Gene: TPO (thyroid peroxidase; plus strand). Cytogenetic location: 2p25.3.
Variant type: single nucleotide variant.
Coding change: c.348G>A on transcript NM_001206744.2 (MANE Select); coding-DNA position 348, G replaced by A.
Protein change: p.Thr116=; no amino-acid change (threonine 116 retained).
Molecular consequence: synonymous variant.
Genome position (GRCh38, 1-based): chr2:1,433,606, G>A. VCF-style: chr2-1433606-G-A. GRCh37 (hg19) VCF-style: chr2-1437378-G-A.
Other names: c.348G>A, p.Thr116= (NM_000547.6, NM_001206745.2, NM_175719.4 and 2 more transcripts).
Identifiers: ClinVar variation 893326 (VCV000893326.6), dbSNP rs374499898, ClinGen allele CA1511381.

ClinVar aggregate classification (germline): Uncertain significance. Review status: criteria provided, single submitter (1 of 4 stars). 2 submissions from 2 submitters: Uncertain significance (1). 1 of the submissions does not count toward it. Last evaluated 2018-01-13.

Conditions:
TPO-related disorder. Also called: TPO-related condition.
Deficiency of iodide peroxidase (TDH2A). Also called: HYPOTHYROIDISM, CONGENITAL, DUE TO DYSHORMONOGENESIS, 2A; IODIDE PEROXIDASE DEFICIENCY; THYROID HORMONOGENESIS, GENETIC DEFECT IN, 2A; THYROID PEROXIDASE DEFICIENCY; Thyroid dyshormonogenesis 2A. Identifiers: Orphanet 95716, MedGen C1291299, MONDO:0010133, OMIM 274500.

Allele frequency attached by ClinVar (database versions not stated): gnomAD 0.00001 and 0.00004; TOPMed 0.00001; gnomAD exomes 0.00006 and 0.00015; ExAC 0.00021; 1000 Genomes Project 30x 0.00031; 1000 Genomes Project 0.00040.
gnomAD v4.1: 101 of 1,613,444 alleles (0.0063%); highest among the groups gnomAD compares: Middle Eastern, 0.13%; no homozygotes.

Submissions (2):

Illumina Laboratory Services, Illumina
Classification: Uncertain significance for Deficiency of iodide peroxidase. Last evaluated: 2018-01-13. Review status: criteria provided, single submitter. Criteria: ICSL Variant Classification Criteria 13 December 2019. Collection method: clinical testing. Allele origin: germline.

PreventionGenetics, part of Exact Sciences
Classification: Likely benign for TPO-related condition. Last evaluated: 2019-07-10. Review status: no assertion criteria provided. Collection method: clinical testing. Allele origin: germline. Not counted in ClinVar's aggregate classification.
Comment: This variant is classified as likely benign based on ACMG/AMP sequence variant interpretation guidelines (Richards et al. 2015 PMID: 25741868, with internal and published modifications).